The following is an entry in ClinVar:

NM_001776.6(ENTPD1):c.43A>G (p.Lys15Glu)

Genes: ENTPD1-AS1 (ENTPD1 antisense RNA 1; minus strand), ENTPD1 (ectonucleoside triphosphate diphosphohydrolase 1; plus strand). Cytogenetic location: 10q24.1.
Variant type: single nucleotide variant.
Coding change: c.43A>G on transcript NM_001776.6 (MANE Select); coding-DNA position 43, A replaced by G.
Protein change: p.Lys15Glu; replaces lysine 15 with glutamic acid.
Molecular consequence: missense variant. On other transcripts: 5 prime UTR variant (2), intron variant (2).
Genome position (GRCh38, 1-based): chr10:95,823,263, A>G. VCF-style: chr10-95823263-A-G. GRCh37 (hg19) VCF-style: chr10-97583020-A-G.
Other names: c.64A>G, p.Lys22Glu (NM_001098175.2); c.79A>G, p.Lys27Glu (NM_001164178.1, NM_001320916.1); c.43A>G, p.Lys15Glu (NM_001164179.2); c.-221A>G (NM_001164182.2); c.-103A>G (NM_001164183.2); c.-181+12457A>G (NM_001312654.1); c.-180-16428A>G (NM_001164181.1); short protein forms K15E, K22E, K27E.
Identifiers: ClinVar variation 2849350 (VCV002849350.3), dbSNP rs2494070353, ClinGen allele CA377821704.

ClinVar aggregate classification (germline): Uncertain significance (1 of 4 stars; one submission).

Conditions:
Hereditary spastic paraplegia 64. Also called: Spastic paraplegia 64, autosomal recessive; ENTPD1-Related Neurodevelopmental Disorder. Identifiers: Orphanet 401810, MedGen C3810289, MONDO:0014303, OMIM 615683.

Allele frequency attached by ClinVar (database versions not stated): gnomAD exomes below 0.00001.
gnomAD v4.1: 1 of 1,614,200 alleles (0.000062%); highest among the groups gnomAD compares: Non-Finnish European, 0.000085%; no homozygotes.

Submission:

Labcorp Genetics (formerly Invitae), Labcorp
Classification: Uncertain significance for Hereditary spastic paraplegia 64. Last evaluated: 2023-09-19. Review status: criteria provided, single submitter. Criteria: Invitae Variant Classification Sherloc (09022015). Collection method: clinical testing. Allele origin: germline.
Comment: In summary, the available evidence is currently insufficient to determine the role of this variant in disease. Therefore, it has been classified as a Variant of Uncertain Significance. An algorithm developed to predict the effect of missense changes on protein structure and function (PolyPhen-2) suggests that this variant is likely to be tolerated. This variant has not been reported in the literature in individuals affected with ENTPD1-related conditions. This variant is not present in population databases (gnomAD no frequency). This sequence change replaces lysine, which is basic and polar, with glutamic acid, which is acidic and polar, at codon 15 of the ENTPD1 protein (p.Lys15Glu).